The following is an entry in ClinVar:

NM_032242.4(PLXNA1):c.2431G>T (p.Ala811Ser)

Gene: PLXNA1 (plexin A1; plus strand). Cytogenetic location: 3q21.3.
Variant type: single nucleotide variant.
Coding change: c.2431G>T on transcript NM_032242.4 (MANE Select); coding-DNA position 2431, G replaced by T.
Protein change: p.Ala811Ser; replaces alanine 811 with serine.
Molecular consequence: missense variant.
Genome position (GRCh38, 1-based): chr3:127,014,202, G>T. VCF-style: chr3-127014202-G-T. GRCh37 (hg19) VCF-style: chr3-126733045-G-T.
Other names: short protein forms A811S.
Identifiers: ClinVar variation 3346588 (VCV003346588.1).

ClinVar aggregate classification (germline): Uncertain significance (0 of 4 stars; one submission).

Conditions:
PLXNA1-related disorder. Also called: PLXNA1-related condition.

gnomAD v4.1: 4 of 1,609,030 alleles (0.00025%); highest among the groups gnomAD compares: South Asian, 0.0033%; no homozygotes.

Submission:

PreventionGenetics, part of Exact Sciences
Classification: Uncertain significance for PLXNA1-related condition. Last evaluated: 2024-07-26. Review status: no assertion criteria provided. Collection method: clinical testing. Allele origin: germline.
Comment: The PLXNA1 c.2431G>T variant is predicted to result in the amino acid substitution p.Ala811Ser. To our knowledge, this variant has not been reported in the literature. This variant is reported in 0.0033% of alleles in individuals of South Asian descent in gnomAD. At this time, the clinical significance of this variant is uncertain due to the absence of conclusive functional and genetic evidence.